The following is an entry in ClinVar:

NM_005592.4(MUSK):c.1222A>G (p.Lys408Glu)

Gene: MUSK (muscle associated receptor tyrosine kinase; plus strand). Cytogenetic location: 9q31.3.
Variant type: single nucleotide variant.
Coding change: c.1222A>G on transcript NM_005592.4 (MANE Select); coding-DNA position 1222, A replaced by G.
Protein change: p.Lys408Glu; replaces lysine 408 with glutamic acid.
Molecular consequence: missense variant. On other transcripts: 5 prime UTR variant (1).
Genome position (GRCh38, 1-based): chr9:110,775,825, A>G. VCF-style: chr9-110775825-A-G. GRCh37 (hg19) VCF-style: chr9-113538105-A-G.
Other names: c.988A>G, p.Lys330Glu (NM_001166280.2); c.958A>G, p.Lys320Glu (NM_001166281.2); c.-15A>G (NM_001369398.1); short protein forms K320E, K408E, K330E.
Identifiers: ClinVar variation 3151208 (VCV003151208.2), dbSNP rs372316254, ClinGen allele CA5184306.

ClinVar aggregate classification (germline): Uncertain significance. Review status: criteria provided, multiple submitters, no conflicts (2 of 4 stars). 2 submissions from 2 submitters: Uncertain significance (2). Last evaluated 2024-11-18.

Conditions:
Congenital myasthenic syndrome 9. Also called: Myasthenic syndrome, congenital, 9, associated with acetylcholine receptor deficiency. Identifiers: Orphanet 590, MedGen C4225368, MONDO:0014587, OMIM 616325.
Fetal akinesia deformation sequence 1 (FADS1). Also called: Pena-Shokeir syndrome type I; Fetal akinesia sequence. Identifiers: Orphanet 994, MedGen C1276035, MONDO:0100101, OMIM 208150, HP:0001989.
Inborn genetic diseases. Identifiers: MedGen C0950123, MeSH D030342.

Allele frequency attached by ClinVar (database versions not stated): gnomAD exomes 0.00009; 1000 Genomes Project 30x 0.00016; ExAC 0.00002; gnomAD 0.00002; TOPMed 0.00004; ESP Exome Variant Server 0.00008.
gnomAD v4.1: 130 of 1,613,914 alleles (0.0081%); highest among the groups gnomAD compares: Non-Finnish European, 0.011%; no homozygotes.

Submissions (2):

Labcorp Genetics (formerly Invitae), Labcorp
Classification: Uncertain significance for Congenital myasthenic syndrome 9; Fetal akinesia deformation sequence 1. Last evaluated: 2024-11-18. Review status: criteria provided, single submitter. Criteria: Invitae Variant Classification Sherloc (09022015). Collection method: clinical testing. Allele origin: germline.
Comment: This sequence change replaces lysine, which is basic and polar, with glutamic acid, which is acidic and polar, at codon 408 of the MUSK protein (p.Lys408Glu). This variant is present in population databases (rs372316254, gnomAD 0.007%). This variant has not been reported in the literature in individuals affected with MUSK-related conditions. ClinVar contains an entry for this variant (Variation ID: 3151208). Invitae Evidence Modeling of protein sequence and biophysical properties (such as structural, functional, and spatial information, amino acid conservation, physicochemical variation, residue mobility, and thermodynamic stability) indicates that this missense variant is not expected to disrupt MUSK protein function with a negative predictive value of 80%. In summary, the available evidence is currently insufficient to determine the role of this variant in disease. Therefore, it has been classified as a Variant of Uncertain Significance.

Ambry Genetics
Classification: Uncertain significance for Inborn genetic diseases. Last evaluated: 2023-09-20. Review status: criteria provided, single submitter. Criteria: Ambry Variant Classification Scheme 2023. Collection method: clinical testing. Allele origin: germline.